The following is an entry in ClinVar:

ClinVar aggregate classification (germline): Uncertain significance (1 of 4 stars; one submission).

Conditions:
Postaxial polydactyly-anterior pituitary anomalies-facial dysmorphism syndrome. Also called: Culler-Jones syndrome. Identifiers: Orphanet 420584, MedGen C4014479, MONDO:0014369, OMIM 615849.
Holoprosencephaly 9 (HPE9). Also called: HOLOPROSENCEPHALY WITH MICROPHTHALMIA AND FIRST BRANCHIAL ARCH ANOMALIES; PITUITARY ANOMALIES WITH HOLOPROSENCEPHALY-LIKE FEATURES. Identifiers: Orphanet 2162, MedGen C1835819, MONDO:0012563, OMIM 610829.

Submission:

Labcorp Genetics (formerly Invitae), Labcorp
Classification: Uncertain significance for Postaxial polydactyly-anterior pituitary anomalies-facial dysmorphism syndrome; Holoprosencephaly 9. Last evaluated: 2023-07-21. Review status: criteria provided, single submitter. Criteria: Invitae Variant Classification Sherloc (09022015). Collection method: clinical testing. Allele origin: germline.
Comment: This variant has not been reported in the literature in individuals affected with GLI2-related conditions. ClinVar contains an entry for this variant (Variation ID: 1719649). Advanced modeling of protein sequence and biophysical properties (such as structural, functional, and spatial information, amino acid conservation, physicochemical variation, residue mobility, and thermodynamic stability) performed at Invitae indicates that this missense variant is expected to disrupt GLI2 protein function. In summary, the available evidence is currently insufficient to determine the role of this variant in disease. Therefore, it has been classified as a Variant of Uncertain Significance. This sequence change replaces histidine, which is basic and polar, with aspartic acid, which is acidic and polar, at codon 950 of the GLI2 protein (p.His950Asp). This variant is not present in population databases (gnomAD no frequency).

NM_001374353.1(GLI2):c.2797C>G (p.His933Asp)

Gene: GLI2 (GLI family zinc finger 2; plus strand). Cytogenetic location: 2q14.2.
Variant type: single nucleotide variant.
Coding change: c.2797C>G on transcript NM_001374353.1 (MANE Select); coding-DNA position 2797, C replaced by G.
Protein change: p.His933Asp; replaces histidine 933 with aspartic acid.
Molecular consequence: missense variant.
Genome position (GRCh38, 1-based): chr2:120,988,762, C>G. VCF-style: chr2-120988762-C-G. GRCh37 (hg19) VCF-style: chr2-121746338-C-G.
Other names: c.2848C>G, p.His950Asp (NM_001371271.1, NM_005270.5); c.2422C>G, p.His808Asp (NM_001374354.1); short protein forms H808D, H933D, H950D.
Identifiers: ClinVar variation 1719649 (VCV001719649.5), dbSNP rs1421082927, ClinGen allele CA348169602.
Genomic context (GRCh38, chr2:120,988,762, plus strand): 5'-GGCTGCCCACGCCCACTGGGGCCGCGGCGTGGCAGCGACGGGCCGACCTATGGCCACGGC[C>G]ACGCGGGGGCTGCGCCCGCCTTCCCCCACGAGGCTCCAGGCGGCGGAGCCAGGCGGGCCA-3'
Protein context (NP_001361282.1, residues 923-943): GSDGPTYGHG[His933Asp]AGAAPAFPHE